The following is an entry in ClinVar:

ClinVar aggregate classification (germline): Likely pathogenic (0 of 4 stars; one submission).

Conditions:
KDM2B-related disorder. Also called: KDM2B-related condition.

Submission:

PreventionGenetics, part of Exact Sciences
Classification: Likely pathogenic for KDM2B-related condition. Last evaluated: 2024-04-12. Review status: no assertion criteria provided. Collection method: clinical testing. Allele origin: germline.
Comment: The KDM2B c.3325delC variant is predicted to result in a frameshift and premature protein termination (p.His1109Thrfs*8). To our knowledge, this variant has not been reported in the literature or in a large population database, indicating this variant is rare. Frameshift variants in KDM2B are expected to be pathogenic and a nonsense variant located in the same exon has been reported as pathogenic (p.Arg1124* in van Jaarsveld et al. 2022. PubMed ID: 36322151). This variant is interpreted as likely pathogenic.

NM_032590.5(KDM2B):c.3325del (p.His1109fs)

Gene: KDM2B (lysine demethylase 2B; minus strand). Cytogenetic location: 12q24.31.
Variant type: Deletion.
Coding change: c.3325del on transcript NM_032590.5 (MANE Select); coding-DNA position 3325, one base deleted (C; older notation c.3325delC).
Protein change: p.His1109fs; shifts the reading frame from histidine 1109.
Molecular consequence: frameshift variant.
Genome position (GRCh38, 1-based): chr12:121,441,193, G deleted on the plus strand (C on the coding strand, the reverse complement: KDM2B is on the minus strand); the first of 2 consecutive G bases (chr12:121,441,193-121,441,194); deleting either gives the same sequence. VCF-style (leftmost placement, unchanged base first): chr12-121441192-TG-T. GRCh37 (hg19) VCF-style: chr12-121878995-TG-T.
Other names: c.3118del, p.His1040fs (NM_001005366.2); short protein forms H1040fs, H1109fs.
Identifiers: ClinVar variation 3349007 (VCV003349007.1).